The following is an entry in ClinVar:

NM_003737.4(DCHS1):c.7451T>C (p.Leu2484Ser)

Gene: DCHS1 (dachsous cadherin-related 1; minus strand). Cytogenetic location: 11p15.4.
Variant type: single nucleotide variant.
Coding change: c.7451T>C on transcript NM_003737.4 (MANE Select); coding-DNA position 7451, T replaced by C.
Protein change: p.Leu2484Ser; replaces leucine 2484 with serine.
Molecular consequence: missense variant.
Genome position (GRCh38, 1-based): chr11:6,624,225, A>G on the plus strand (T>C on the coding strand, the complement: DCHS1 is on the minus strand). VCF-style: chr11-6624225-A-G. GRCh37 (hg19) VCF-style: chr11-6645456-A-G.
Other names: short protein forms L2484S.
Identifiers: ClinVar variation 1912767 (VCV001912767.5), dbSNP rs1855754114, ClinGen allele CA379483054.

ClinVar aggregate classification (germline): Uncertain significance (1 of 4 stars; one submission).

Allele frequency attached by ClinVar (database versions not stated): gnomAD exomes 0.00001.
gnomAD v4.1: 14 of 1,613,348 alleles (0.00087%); highest among the groups gnomAD compares: Non-Finnish European, 0.0012%; no homozygotes.

Submission:

Labcorp Genetics (formerly Invitae), Labcorp
Classification: Uncertain significance. Last evaluated: 2022-06-17. Review status: criteria provided, single submitter. Criteria: Invitae Variant Classification Sherloc (09022015). Collection method: clinical testing. Allele origin: germline.
Comment: This variant has not been reported in the literature in individuals affected with DCHS1-related conditions. Advanced modeling of protein sequence and biophysical properties (such as structural, functional, and spatial information, amino acid conservation, physicochemical variation, residue mobility, and thermodynamic stability) performed at Invitae indicates that this missense variant is not expected to disrupt DCHS1 protein function. In summary, the available evidence is currently insufficient to determine the role of this variant in disease. Therefore, it has been classified as a Variant of Uncertain Significance. This sequence change replaces leucine, which is neutral and non-polar, with serine, which is neutral and polar, at codon 2484 of the DCHS1 protein (p.Leu2484Ser). This variant is not present in population databases (gnomAD no frequency).